The following is an entry in ClinVar:

NM_001903.5(CTNNA1):c.1970A>T (p.Gln657Leu)

Gene: CTNNA1 (catenin alpha 1; plus strand). Cytogenetic location: 5q31.2.
Variant type: single nucleotide variant.
Coding change: c.1970A>T on transcript NM_001903.5 (MANE Select); coding-DNA position 1970, A replaced by T.
Protein change: p.Gln657Leu; replaces glutamine 657 with leucine.
Molecular consequence: missense variant.
Genome position (GRCh38, 1-based): chr5:138,929,316, A>T. VCF-style: chr5-138929316-A-T. GRCh37 (hg19) VCF-style: chr5-138265005-A-T.
Other names: c.1970A>T, p.Gln657Leu (NM_001290307.3, NM_001323982.2, NM_001323983.1 and 2 more transcripts); c.1661A>T, p.Gln554Leu (NM_001290309.3); c.1601A>T, p.Gln534Leu (NM_001290310.3); c.860A>T, p.Gln287Leu (NM_001290312.1, NM_001323987.1, NM_001323988.1 and 17 more transcripts); c.1877A>T, p.Gln626Leu (NM_001323986.2); c.521A>T, p.Gln174Leu (NM_001324006.1, NM_001324007.1, NM_001324008.1 and 2 more transcripts); c.767A>T, p.Gln256Leu (NM_001324011.1); c.617A>T, p.Gln206Leu (NM_001324012.1, NM_001324013.1); short protein forms Q206L, Q287L, Q657L, Q174L, Q256L, Q554L, Q626L, Q534L.
Identifiers: ClinVar variation 1783606 (VCV001783606.2), dbSNP rs2533821341, ClinGen allele CA361132833.

ClinVar aggregate classification (germline): Uncertain significance (1 of 4 stars; one submission).

Conditions:
Hereditary cancer-predisposing syndrome. Also called: Neoplastic Syndromes, Hereditary; Tumor predisposition; Hereditary Cancer Syndrome; Hereditary neoplastic syndrome. Identifiers: Orphanet 140162, MedGen C0027672, MeSH D009386, MONDO:0015356.

Submission:

Ambry Genetics
Classification: Uncertain significance for Hereditary cancer-predisposing syndrome. Last evaluated: 2020-09-09. Review status: criteria provided, single submitter. Criteria: Ambry Variant Classification Scheme 2023. Collection method: clinical testing. Allele origin: germline.
Comment: The p.Q657L variant (also known as c.1970A>T), located in coding exon 13 of the CTNNA1 gene, results from an A to T substitution at nucleotide position 1970. The glutamine at codon 657 is replaced by leucine, an amino acid with dissimilar properties. This amino acid position is highly conserved in available vertebrate species. In addition, the in silico prediction for this alteration is inconclusive. Since supporting evidence is limited at this time, the clinical significance of this alteration remains unclear.